The following is an entry in ClinVar:

ClinVar aggregate classification (germline): Uncertain significance (1 of 4 stars; one submission).

Conditions:
Hereditary cancer-predisposing syndrome. Also called: Neoplastic Syndromes, Hereditary; Hereditary neoplastic syndrome; Tumor predisposition; Hereditary Cancer Syndrome. Identifiers: Orphanet 140162, MedGen C0027672, MeSH D009386, MONDO:0015356.

gnomAD v4.1: 2 of 1,614,130 alleles (0.00012%); highest among the groups gnomAD compares: South Asian, 0.0011%; no homozygotes.

Submission:

Ambry Genetics
Classification: Uncertain significance for Hereditary cancer-predisposing syndrome. Last evaluated: 2026-01-18. Review status: criteria provided, single submitter. Criteria: Ambry Variant Classification Scheme 2023. Collection method: clinical testing. Allele origin: germline.
Comment: The p.N74S variant (also known as c.221A>G), located in coding exon 3 of the EPCAM gene, results from an A to G substitution at nucleotide position 221. The asparagine at codon 74 is replaced by serine, an amino acid with highly similar properties. This amino acid position is conserved. In addition, this alteration is predicted to be tolerated by in silico analysis. Based on the available evidence, the clinical significance of this variant remains unclear.

NM_002354.3(EPCAM):c.221A>G (p.Asn74Ser)

Gene: EPCAM (epithelial cell adhesion molecule; plus strand). Cytogenetic location: 2p21.
Variant type: single nucleotide variant.
Coding change: c.221A>G on transcript NM_002354.3 (MANE Select); coding-DNA position 221, A replaced by G.
Protein change: p.Asn74Ser; replaces asparagine 74 with serine.
Molecular consequence: missense variant.
Genome position (GRCh38, 1-based): chr2:47,373,844, A>G. VCF-style: chr2-47373844-A-G. GRCh37 (hg19) VCF-style: chr2-47600983-A-G.
Other names: short protein forms N74S.
Identifiers: ClinVar variation 4824835 (VCV004824835.1).